The following is an entry in ClinVar:

NM_020821.3(VPS13C):c.6782C>T (p.Thr2261Met)

Gene: VPS13C (vacuolar protein sorting 13 homolog C; minus strand). Cytogenetic location: 15q22.2.
Variant type: single nucleotide variant.
Coding change: c.6782C>T on transcript NM_020821.3 (MANE Select); coding-DNA position 6782, C replaced by T.
Protein change: p.Thr2261Met; replaces threonine 2261 with methionine.
Molecular consequence: missense variant.
Genome position (GRCh38, 1-based): chr15:61,922,590, G>A on the plus strand (C>T on the coding strand, the complement: VPS13C is on the minus strand). VCF-style: chr15-61922590-G-A. GRCh37 (hg19) VCF-style: chr15-62214789-G-A.
Other names: c.6782C>T, p.Thr2261Met (NM_001018088.3); c.6653C>T, p.Thr2218Met (NM_017684.5, NM_018080.4); c.6782C>T (NM_020821.2); short protein forms T2261M, T2218M.
Identifiers: ClinVar variation 2196683 (VCV002196683.2), dbSNP rs754964470, ClinGen allele CA7595453.

ClinVar aggregate classification (germline): Uncertain significance. Review status: criteria provided, multiple submitters, no conflicts (2 of 4 stars). 2 submissions from 2 submitters: Uncertain significance (2). Last evaluated 2022-03-28.

Conditions:
Inborn genetic diseases. Identifiers: MedGen C0950123, MeSH D030342.

Allele frequency attached by ClinVar (database versions not stated): ExAC 0.00002; gnomAD 0.00002; TOPMed 0.00002; gnomAD exomes 0.00004.
gnomAD v4.1: 59 of 1,613,814 alleles (0.0037%); highest among the groups gnomAD compares: Non-Finnish European, 0.0044%; no homozygotes.

Submissions (2):

Labcorp Genetics (formerly Invitae), Labcorp
Classification: Uncertain significance. Last evaluated: 2022-03-28. Review status: criteria provided, single submitter. Criteria: Invitae Variant Classification Sherloc (09022015). Collection method: clinical testing. Allele origin: germline.
Comment: This sequence change replaces threonine, which is neutral and polar, with methionine, which is neutral and non-polar, at codon 2261 of the VPS13C protein (p.Thr2261Met). This variant is present in population databases (rs754964470, gnomAD 0.004%). This variant has not been reported in the literature in individuals affected with VPS13C-related conditions. Algorithms developed to predict the effect of missense changes on protein structure and function are either unavailable or do not agree on the potential impact of this missense change (SIFT: "Deleterious"; PolyPhen-2: "Probably Damaging"; Align-GVGD: "Class C0"). In summary, the available evidence is currently insufficient to determine the role of this variant in disease. Therefore, it has been classified as a Variant of Uncertain Significance.

Ambry Genetics
Classification: Uncertain significance for Inborn genetic diseases. Last evaluated: 2022-01-03. Review status: criteria provided, single submitter. Criteria: Ambry Variant Classification Scheme 2023. Collection method: clinical testing. Allele origin: germline.